The following is an entry in ClinVar:

ClinVar aggregate classification (germline): Uncertain significance (1 of 4 stars; one submission).

gnomAD v4.1: 8 of 1,610,140 alleles (0.0005%); highest among the groups gnomAD compares: Non-Finnish European, 0.00068%; no homozygotes.

Submission:

Ambry Genetics
Classification: Uncertain significance. Last evaluated: 2022-01-26. Review status: criteria provided, single submitter. Criteria: Ambry Variant Classification Scheme 2023. Collection method: clinical testing. Allele origin: germline.
Comment: The p.G128R variant (also known as c.382G>A), located in coding exon 2 of the MNDA gene, results from a G to A substitution at nucleotide position 382. The glycine at codon 128 is replaced by arginine, an amino acid with dissimilar properties. This amino acid position is conserved. In addition, this alteration is predicted to be tolerated by in silico analysis. Since supporting evidence is limited at this time, the clinical significance of this alteration remains unclear.

NM_002432.3(MNDA):c.382G>A (p.Gly128Arg)

Gene: MNDA (myeloid cell nuclear differentiation antigen; plus strand). Cytogenetic location: 1q23.1.
Variant type: single nucleotide variant.
Coding change: c.382G>A on transcript NM_002432.3 (MANE Select); coding-DNA position 382, G replaced by A.
Protein change: p.Gly128Arg; replaces glycine 128 with arginine.
Molecular consequence: missense variant.
Genome position (GRCh38, 1-based): chr1:158,843,395, G>A. VCF-style: chr1-158843395-G-A. GRCh37 (hg19) VCF-style: chr1-158813185-G-A.
Other names: short protein forms G128R.
Identifiers: ClinVar variation 1735336 (VCV001735336.2), dbSNP rs1430111534, ClinGen allele CA343038807.